The following is an entry in ClinVar:

NM_000400.4(ERCC2):c.1703_1704del (p.Phe568fs)

Gene: ERCC2 (ERCC excision repair 2, TFIIH core complex helicase subunit; minus strand). Cytogenetic location: 19q13.32.
Variant type: Deletion.
Coding change: c.1703_1704del on transcript NM_000400.4 (MANE Select); coding-DNA positions 1703 to 1704, 2 bases deleted (TT; older notation c.1703_1704delTT).
Protein change: p.Phe568fs; shifts the reading frame from phenylalanine 568.
Molecular consequence: frameshift variant.
Genome position (GRCh38, 1-based): chr19:45,353,296-45,353,297, AA deleted on the plus strand (TT on the coding strand, the reverse complement: ERCC2 is on the minus strand); deleting any 2 consecutive bases within chr19:45,353,296-45,353,298 gives the same sequence; the c. name uses the placement nearest the transcript's 3' end. VCF-style (leftmost placement, unchanged base first): chr19-45353295-TAA-T. GRCh37 (hg19) VCF-style: chr19-45856553-TAA-T.
Other names: c.1703_1704delTT (NM_000400.4, NM_000400.3); short protein forms F568fs.
Identifiers: ClinVar variation 134095 (VCV000134095.65), dbSNP rs587778271, ClinGen allele CA158754.

ClinVar aggregate classification (germline): Pathogenic/Likely pathogenic. Review status: criteria provided, multiple submitters, no conflicts (2 of 4 stars). 16 submissions from 16 submitters: Pathogenic (12); Likely pathogenic (2). 2 of the submissions do not count toward it. Last evaluated 2026-02-02.

Conditions:
ERCC2-related disorder. Also called: ERCC2-related disorders; ERCC2-related conditions; ERCC2-related condition. Identifiers: MedGen CN239291.
Inborn genetic diseases. Identifiers: MedGen C0950123, MeSH D030342.
Cerebrooculofacioskeletal syndrome 2 (COFS2). Identifiers: MedGen C1853102, MONDO:0012553, OMIM 610756.
Xeroderma pigmentosum, group D (XPD). Also called: XERODERMA PIGMENTOSUM IV; XP, GROUP D; XP, GROUP H; XERODERMA PIGMENTOSUM, COMPLEMENTATION GROUP D; ERCC2-Related Xeroderma Pigmentosum. Identifiers: MedGen C0268138, MONDO:0010212, OMIM 278730.
Trichothiodystrophy 1, photosensitive (TTD1). Also called: TAY SYNDROME; TRICHOTHIODYSTROPHY WITH CONGENITAL ICHTHYOSIS; PIBIDS SYNDROME. Identifiers: Orphanet 33364, MedGen C1866504, MONDO:0011125, OMIM 601675.
Leukodystrophy. Identifiers: Orphanet 68356, MedGen C0023520, MONDO:0019046, HP:0002415.
Xeroderma pigmentosum (XP). Identifiers: Orphanet 910, MedGen C0043346, MONDO:0019600.

Submissions (16):

Labcorp Genetics (formerly Invitae), Labcorp
Classification: Pathogenic. Last evaluated: 2026-02-02. Review status: criteria provided, single submitter. Criteria: Invitae Variant Classification Sherloc (09022015). Collection method: clinical testing. Allele origin: germline.
Comment: This sequence change creates a premature translational stop signal (p.Phe568Tyrfs*2) in the ERCC2 gene. It is expected to result in an absent or disrupted protein product. Loss-of-function variants in ERCC2 are known to be pathogenic (PMID: 9238033, 11335038, 19085937, 19934020). This variant is present in population databases (rs587778271, gnomAD 0.02%). This premature translational stop signal has been observed in individual(s) with clinical features of xeroderma pigmentosum with trichothiodystrophy (PMID: 11709541). ClinVar contains an entry for this variant (Variation ID: 134095). For these reasons, this variant has been classified as Pathogenic.

CeGaT Center for Human Genetics Tuebingen
Classification: Pathogenic. Last evaluated: 2026-02-01. Review status: criteria provided, single submitter. Criteria: CeGaT Center For Human Genetics Tuebingen Variant Classification Criteria Version 2. Collection method: clinical testing. Allele origin: germline. Affected: yes. Observed: 3 variant alleles.
Comment: ERCC2: PVS1, PM3, PM2:Supporting

PreventionGenetics, part of Exact Sciences
Classification: Pathogenic for ERCC2-related condition. Last evaluated: 2025-07-30. Review status: criteria provided, single submitter. Criteria: ACMG Guidelines, 2015. Collection method: clinical testing. Allele origin: germline.
Comment: The ERCC2 c.1703_1704delTT variant is predicted to result in a frameshift and premature protein termination (p.Phe568Tyrfs*2). This variant has been reported in the compound heterozygous state in two individuals with xeroderma pigmentosum (Broughton et al 2001. PubMed ID: 11709541, reported as 1781-1782 del TT; Zhou et al. 2010. PubMed ID: 20633800). This variant has also been reported in the heterozygous state in individuals with cancer, but it was also reported in controls (see for example, Lhota F et al 2016. PubMed ID: 26822949; Maxwell KN et al 2016. PubMed ID: 27153395). This variant is reported in 0.019% of alleles in individuals of European (Non-Finnish) descent in gnomAD. Functional studies in vitro indicated that this variant disrupts excision repair (Rump A et al 2016. PubMed ID: 27504877), and frameshift variants in ERCC2 are expected to be pathogenic. Taken together, this variant is of uncertain clinical significance for predisposition to cancer; it is interpreted as pathogenic for autosomal recessive xeroderma pigmentosum.

GeneDx
Classification: Pathogenic. Last evaluated: 2025-07-21. Review status: criteria provided, single submitter. Criteria: GeneDx Variant Classification Process June 2021. Collection method: clinical testing. Allele origin: germline. Affected: yes.
Comment: Identified with a second ERCC2 variant in individuals with features of xeroderma pigmentosum and trichothiodystrophy in the published literature, and in patients with ERCC2-related phenotypes referred for genetic testing at GeneDx (PMID: 11709541, 20633800); Reported previously in the heterozygous state in association with breast and/or ovarian cancer susceptibility (PMID: 26822949, 27153395, 29684080, 27504877); Frameshift variant predicted to result in protein truncation or nonsense mediated decay in a gene for which loss-of-function is a known mechanism of disease; This variant is associated with the following publications: (PMID: 27153395, 27504877, 29684080, 24728327, 20633800, 26689913, 35988656, 31589614, 29625052, 38496821, 36947458, 36451132, 26822949, 11709541)

Women's Health and Genetics/Laboratory Corporation of America, LabCorp
Classification: Pathogenic for Xeroderma pigmentosum. Last evaluated: 2025-03-31. Review status: criteria provided, single submitter. Criteria: LabCorp Variant Classification Summary - May 2015. Collection method: clinical testing. Allele origin: germline.
Comment: Variant summary: ERCC2 c.1703_1704delTT (p.Phe568TyrfsX2) results in a premature termination codon, predicted to cause a truncation of the encoded protein or absence of the protein due to nonsense mediated decay, which are commonly known mechanisms for disease. Truncations downstream of this position have been classified as pathogenic within ClinVar (e.g. c.1984C>T [p.Gln662Ter], c.2005del [p.Arg669fs]). The variant allele was found at a frequency of 7.6e-05 in 251240 control chromosomes, predominantly at a frequency of 0.00014 within the Non-Finnish European subpopulation in the gnomAD database. This frequency is not significantly higher than estimated for a pathogenic variant in ERCC2 causing Xeroderma Pigmentosum (7.6e-05 vs 0.00061), allowing no conclusion about variant significance. c.1703_1704delTT has been reported in the literature in individuals affected with Xeroderma Pigmentosum (Broughton_2001) and Trichothiodystrophy (Zhou_2010). These data indicate that the variant is very likely to be associated with disease. To our knowledge, no experimental evidence demonstrating an impact on protein function has been reported. The following publications have been ascertained in the context of this evaluation (PMID: 11709541, 20633800). ClinVar contains an entry for this variant (Variation ID: 134095). Based on the evidence outlined above, the variant was classified as pathogenic.

Laboratory of Genetics, Children's Clinical University Hospital Latvia
Classification: Pathogenic. Last evaluated: 2025-02-16. Review status: criteria provided, single submitter. Criteria: ACMG Guidelines, 2015. Collection method: clinical testing. Allele origin: germline. Affected: yes.

Blueprint Genetics
Classification: Pathogenic for ERCC2-related disorders. Last evaluated: 2024-11-28. Review status: criteria provided, single submitter. Criteria: ACMG Guidelines, 2015. Collection method: clinical testing. Allele origin: germline. Affected: yes. Observed: 5 variant alleles.

Baylor Genetics
Classification: Pathogenic for Cerebrooculofacioskeletal syndrome 2. Last evaluated: 2024-03-24. Review status: criteria provided, single submitter. Criteria: ACMG Guidelines, 2015. Collection method: clinical testing. Allele origin: unknown.

Fulgent Genetics
Classification: Pathogenic for Xeroderma pigmentosum, group D; Trichothiodystrophy 1, photosensitive; Cerebrooculofacioskeletal syndrome 2. Last evaluated: 2024-03-06. Review status: criteria provided, single submitter. Criteria: ACMG Guidelines, 2015. Collection method: clinical testing. Allele origin: germline.

Ambry Genetics
Classification: Pathogenic for Inborn genetic diseases. Last evaluated: 2023-06-22. Review status: criteria provided, single submitter. Criteria: Ambry Variant Classification Scheme 2023. Collection method: clinical testing. Allele origin: germline.
Comment: The c.1703_1704delTT (p.F568Yfs*2) alteration, located in exon 18 (coding exon 18) of the ERCC2 gene, consists of a deletion of 2 nucleotides from position 1703 to 1704, causing a translational frameshift with a predicted alternate stop codon after 2 amino acids. This alteration is expected to result in loss of function by premature protein truncation or nonsense-mediated mRNA decay. Based on data from gnomAD, this alteration has an overall frequency of 0.01% (29/282568) total alleles studied. The highest observed frequency was 0.019% (25/128994) of European (non-Finnish) alleles. This variant has been reported in combination with a second ERCC2 variant of unknown significance in an individual with clinical features consistent with ERCC2-related spectrum disorders (Zhou, 2010). Based on the available evidence, this alteration is classified as pathogenic.

Institute for Clinical Genetics, University Hospital TU Dresden, University Hospital TU Dresden
Classification: Pathogenic. Last evaluated: 2021-11-03. Review status: criteria provided, single submitter. Criteria: ACMG Guidelines, 2015. Collection method: clinical testing. Allele origin: germline.

Revvity Omics, Revvity
Classification: Pathogenic. Last evaluated: 2020-03-13. Review status: criteria provided, single submitter. Criteria: ACMG Guidelines, 2015. Collection method: clinical testing. Allele origin: germline.

Illumina Laboratory Services, Illumina
Classification: Likely pathogenic for Xeroderma pigmentosum, group D. Last evaluated: 2018-10-25. Review status: criteria provided, single submitter. Criteria: ICSL Variant Classification Criteria 09 May 2019. Collection method: clinical testing. Allele origin: germline.
Comment: The ERCC2 c.1703_1704delTT (p.Phe568TyrfsTer2) variant results in a frameshift and is predicted to result in premature termination of the protein. The p.Phe568TyrfsTer2 variant has been reported in at least two studies, in which it is found in a compound heterozygous state in two unrelated individuals with features of both xeroderma pigmentosa (XP) and trichothiodystrophy (TTD) (Broughton et al., 2001; Zhou et al., 2010). Control data are unavailable for this variant, which is reported at a frequency of 0.000174 in the European (non-Finnish) population of the Genome Aggregation Database. Due to the potential impact of frameshift variants and the limited number of cases, this variant is classified as likely pathogenic for xeroderma pigmentosum. This variant was observed by ICSL as part of a predisposition screen in an ostensibly healthy population.

Centre for Mendelian Genomics, University Medical Centre Ljubljana
Classification: Likely pathogenic for Leukodystrophy. Last evaluated: 2017-01-01. Review status: criteria provided, single submitter. Criteria: ACMG Guidelines, 2015. Collection method: clinical testing. Allele origin: unknown. Affected: yes.

ITMI
No classification provided. Condition: AllHighlyPenetrant. Last evaluated: 2013-09-19. Review status: no classification provided. Collection method: reference population. Allele origin: germline. Not counted in ClinVar's aggregate classification.
Comment: Please see associated publication for description of ethnicities

OMIM
Classification: Pathogenic for XERODERMA PIGMENTOSUM, COMPLEMENTATION GROUP D. Last evaluated: 2001-10-15. Review status: no assertion criteria provided. Collection method: literature only. Allele origin: germline. Not counted in ClinVar's aggregate classification.

Literature cited by the submitters: PubMed 9238033 (cited by Labcorp Genetics (formerly Invitae), Labcorp); PubMed 11335038 (cited by Labcorp Genetics (formerly Invitae), Labcorp); PubMed 19085937 (cited by Labcorp Genetics (formerly Invitae), Labcorp); PubMed 19934020 (cited by Labcorp Genetics (formerly Invitae), Labcorp); PubMed 11709541 (cited by 4 submitters); PubMed 20633800 (cited by 3 submitters); PubMed 27504877 (cited by Illumina Laboratory Services, Illumina); PubMed 24728327 (cited by ITMI).